The following is an entry in ClinVar:

ClinVar aggregate classification (germline): Uncertain significance (1 of 4 stars; one submission).

Conditions:
Joubert syndrome. Also called: CEREBELLOPARENCHYMAL DISORDER IV; JOUBERT-BOLTSHAUSER SYNDROME; Familial aplasia of the vermis. Identifiers: Orphanet 475, MedGen C5979921, MONDO:0018772.
Meckel-Gruber syndrome. Also called: DYSENCEPHALIA SPLANCHNOCYSTICA; GRUBER SYNDROME; Dysencephalia splachnocystica. Identifiers: Orphanet 564, MedGen C0265215, MONDO:0018921.

Submission:

Labcorp Genetics (formerly Invitae), Labcorp
Classification: Uncertain significance for Joubert syndrome; Meckel-Gruber syndrome. Last evaluated: 2022-06-30. Review status: criteria provided, single submitter. Criteria: Invitae Variant Classification Sherloc (09022015). Collection method: clinical testing. Allele origin: germline.
Comment: This sequence change replaces arginine, which is basic and polar, with glycine, which is neutral and non-polar, at codon 797 of the RPGRIP1L protein (p.Arg797Gly). This variant is not present in population databases (gnomAD no frequency). This variant has not been reported in the literature in individuals affected with RPGRIP1L-related conditions. Algorithms developed to predict the effect of missense changes on protein structure and function (SIFT, PolyPhen-2, Align-GVGD) all suggest that this variant is likely to be tolerated. In summary, the available evidence is currently insufficient to determine the role of this variant in disease. Therefore, it has been classified as a Variant of Uncertain Significance.

NM_015272.5(RPGRIP1L):c.2389A>G (p.Arg797Gly)

Gene: RPGRIP1L (RPGRIP1 like; minus strand). Cytogenetic location: 16q12.2.
Variant type: single nucleotide variant.
Coding change: c.2389A>G on transcript NM_015272.5 (MANE Select); coding-DNA position 2389, A replaced by G.
Protein change: p.Arg797Gly; replaces arginine 797 with glycine.
Molecular consequence: missense variant.
Genome position (GRCh38, 1-based): chr16:53,645,919, T>C on the plus strand (A>G on the coding strand, the complement: RPGRIP1L is on the minus strand). VCF-style: chr16-53645919-T-C. GRCh37 (hg19) VCF-style: chr16-53679831-T-C.
Other names: c.2389A>G, p.Arg797Gly (NM_001127897.4, NM_001308334.3, NM_001330538.2); short protein forms R797G.
Identifiers: ClinVar variation 2153841 (VCV002153841.1), dbSNP rs2544107940, ClinGen allele CA395914728.
Genomic context (GRCh38, chr16:53,645,919, plus strand): 5'-ACACAACATATGGGTGTGGCTGCAGGTGGCTTGCTCGGGACTGCAGGTGGTTGCAACATC[T>C]TATTGTAATGTGAAGTTCATTTAAGTTGCCATCTGTGGAATCTGTAGAACTGAGTTGAGC-3'
Protein context (NP_056087.2, residues 787-807): GNLNELHITI[Arg797Gly]CCNHLQSRAS